The following is an entry in ClinVar:

ClinVar aggregate classification (germline): Uncertain significance. Review status: criteria provided, multiple submitters, no conflicts (2 of 4 stars). 4 submissions from 4 submitters: Uncertain significance (4). Last evaluated 2024-03-26.

Conditions:
Arrhythmogenic right ventricular dysplasia 11. Also called: Arrhythmogenic Right Ventricular Dysplasia/Cardiomyopathy11; Arrhythmogenic right ventricular dysplasia 11 with mild palmoplantar keratoderma and woolly hair; ARRHYTHMOGENIC RIGHT VENTRICULAR DYSPLASIA, FAMILIAL, 11. Identifiers: MedGen C1864850, MONDO:0012506, OMIM 610476.
Cardiomyopathy (CMYO). Also called: Cardiomyopathies. Identifiers: Orphanet 167848, MedGen C0878544, MONDO:0004994, HP:0001638. Inheritance: Various modes of inheritance.

gnomAD v4.1: 1 of 1,613,956 alleles (0.000062%); no homozygotes.

Submissions (4):

Labcorp Genetics (formerly Invitae), Labcorp
Classification: Uncertain significance for Arrhythmogenic right ventricular dysplasia 11. Last evaluated: 2024-03-26. Review status: criteria provided, single submitter. Criteria: Invitae Variant Classification Sherloc (09022015). Collection method: clinical testing. Allele origin: germline.
Comment: This sequence change replaces alanine, which is neutral and non-polar, with valine, which is neutral and non-polar, at codon 866 of the DSC2 protein (p.Ala866Val). This variant is not present in population databases (gnomAD no frequency). This variant has not been reported in the literature in individuals affected with DSC2-related conditions. ClinVar contains an entry for this variant (Variation ID: 924245). An algorithm developed to predict the effect of missense changes on protein structure and function (PolyPhen-2) suggests that this variant is likely to be disruptive. In summary, the available evidence is currently insufficient to determine the role of this variant in disease. Therefore, it has been classified as a Variant of Uncertain Significance.

Color Diagnostics, LLC DBA Color Health
Classification: Uncertain significance for Cardiomyopathy. Last evaluated: 2024-03-07. Review status: criteria provided, single submitter. Criteria: ACMG Guidelines, 2015. Collection method: clinical testing. Allele origin: germline.
Comment: This missense variant replaces alanine with valine at codon 866 of the DSC2 protein. Computational prediction is inconclusive regarding the impact of this variant on protein structure and function (internally defined REVEL score threshold 0.5 < inconclusive < 0.7, PMID: 27666373). Splice site prediction tools suggest that this variant may not impact RNA splicing. To our knowledge, functional studies have not been performed for this variant. This variant has not been reported in individuals affected with cardiovascular disorders in the literature. This variant has been identified in 1/251152 chromosomes in the general population by the Genome Aggregation Database (gnomAD). The available evidence is insufficient to determine the role of this variant in disease conclusively. Therefore, this variant is classified as a Variant of Uncertain Significance.

Revvity Omics, Revvity
Classification: Uncertain significance for Arrhythmogenic right ventricular dysplasia 11. Last evaluated: 2021-12-09. Review status: criteria provided, single submitter. Criteria: ACMG Guidelines, 2015. Collection method: clinical testing. Allele origin: germline.

Blueprint Genetics
Classification: Uncertain significance. Last evaluated: 2021-07-16. Review status: criteria provided, single submitter. Criteria: ACMG Guidelines, 2015. Collection method: clinical testing. Allele origin: germline.

NM_024422.6(DSC2):c.2597C>T (p.Ala866Val)

Gene: DSC2 (desmocollin 2; minus strand). Cytogenetic location: 18q12.1.
Variant type: single nucleotide variant.
Coding change: c.2597C>T on transcript NM_024422.6 (MANE Select); coding-DNA position 2597, C replaced by T.
Protein change: p.Ala866Val; replaces alanine 866 with valine.
Molecular consequence: missense variant. On other transcripts: 3 prime UTR variant (1).
Genome position (GRCh38, 1-based): chr18:31,068,124, G>A on the plus strand (C>T on the coding strand, the complement: DSC2 is on the minus strand). VCF-style: chr18-31068124-G-A. GRCh37 (hg19) VCF-style: chr18-28648090-G-A.
Other names: c.*99C>T (NM_004949.5); short protein forms A866V.
Identifiers: ClinVar variation 924245 (VCV000924245.13), dbSNP rs760363798, ClinGen allele CA402110478.